The following is an entry in ClinVar:

NM_000310.4(PPT1):c.745A>T (p.Ser249Cys)

Gene: PPT1 (palmitoyl-protein thioesterase 1; minus strand). Cytogenetic location: 1p34.2.
Variant type: single nucleotide variant.
Coding change: c.745A>T on transcript NM_000310.4 (MANE Select); coding-DNA position 745, A replaced by T.
Protein change: p.Ser249Cys; replaces serine 249 with cysteine.
Molecular consequence: missense variant. On other transcripts: intron variant (1).
Genome position (GRCh38, 1-based): chr1:40,076,895, T>A on the plus strand (A>T on the coding strand, the complement: PPT1 is on the minus strand). VCF-style: chr1-40076895-T-A. GRCh37 (hg19) VCF-style: chr1-40542567-T-A.
Other names: c.436A>T, p.Ser146Cys (NM_001142604.2); c.726+1665A>T (NM_001363695.2); short protein forms S249C, S146C.
Identifiers: ClinVar variation 1974821 (VCV001974821.2), dbSNP rs1002065621, ClinGen allele CA339846466.

ClinVar aggregate classification (germline): Uncertain significance (1 of 4 stars; one submission).

Conditions:
Neuronal ceroid lipofuscinosis 1 (CLN1). Also called: CEROID LIPOFUSCINOSIS, NEURONAL, 1, VARIABLE AGE AT ONSET; PPT1-Related Neuronal Ceroid-Lipofuscinosis. Identifiers: Orphanet 228329, MedGen C1850451, MONDO:0009744, OMIM 256730.

Allele frequency attached by ClinVar (database versions not stated): gnomAD 0.00001; TOPMed 0.00001.
gnomAD v4.1: 2 of 1,614,076 alleles (0.00012%); highest among the groups gnomAD compares: African/African-American, 0.0027%; no homozygotes.

Submission:

Labcorp Genetics (formerly Invitae), Labcorp
Classification: Uncertain significance for Neuronal ceroid lipofuscinosis 1. Last evaluated: 2022-04-11. Review status: criteria provided, single submitter. Criteria: Invitae Variant Classification Sherloc (09022015). Collection method: clinical testing. Allele origin: germline.
Comment: This sequence change replaces serine, which is neutral and polar, with cysteine, which is neutral and slightly polar, at codon 249 of the PPT1 protein (p.Ser249Cys). This variant is not present in population databases (gnomAD no frequency). This variant has not been reported in the literature in individuals affected with PPT1-related conditions. Advanced modeling of protein sequence and biophysical properties (such as structural, functional, and spatial information, amino acid conservation, physicochemical variation, residue mobility, and thermodynamic stability) performed at Invitae indicates that this missense variant is expected to disrupt PPT1 protein function. In summary, the available evidence is currently insufficient to determine the role of this variant in disease. Therefore, it has been classified as a Variant of Uncertain Significance.